The following is an entry in ClinVar:

NM_001852.4(COL9A2):c.1871-8G>T

Gene: COL9A2 (collagen type IX alpha 2 chain; minus strand). Cytogenetic location: 1p34.2.
Variant type: single nucleotide variant.
Coding change: c.1871-8G>T on transcript NM_001852.4 (MANE Select); 8 bases into the intron before coding-DNA position 1871, G replaced by T.
Molecular consequence: intron variant.
Genome position (GRCh38, 1-based): chr1:40,301,389, C>A on the plus strand (G>T on the coding strand, the complement: COL9A2 is on the minus strand). VCF-style: chr1-40301389-C-A. GRCh37 (hg19) VCF-style: chr1-40767061-C-A.
Identifiers: ClinVar variation 258380 (VCV000258380.16), dbSNP rs372902486, ClinGen allele CA791286.
Genomic context (GRCh38, chr1:40,301,389, plus strand): 5'-CCCTCGATCTCCATCCTTGCCGTTGATTGCCTGGCCAGGCCGGCCAGGGAGTCCTGTGAA[C>A]AGGAGAAAGTCAAGACATTAGGGGCACCTCTTGTCTCAGGCCCAGAATTTTGAAGGTGGG-3'

ClinVar aggregate classification (germline): Likely benign. Review status: criteria provided, multiple submitters, no conflicts (2 of 4 stars). 6 submissions from 6 submitters: Likely benign (6). Last evaluated 2026-01-15.

Conditions:
Stickler syndrome, type 5 (STL5). Also called: COL9A2-Related Stickler Syndrome. Identifiers: Orphanet 250984, Orphanet 828, MedGen C3280342, MONDO:0013666, OMIM 614284.
Epiphyseal dysplasia, multiple, 2 (EDM2). Also called: COL9A2-Related Multiple Epiphyseal Dysplasia. Identifiers: MedGen C1838429, MONDO:0010844, OMIM 600204.

Allele frequency attached by ClinVar (database versions not stated): TOPMed 0.00002; ExAC 0.00004; gnomAD 0.00006.

Submissions (6):

Labcorp Genetics (formerly Invitae), Labcorp
Classification: Likely benign. Last evaluated: 2026-01-15. Review status: criteria provided, single submitter. Criteria: Invitae Variant Classification Sherloc (09022015). Collection method: clinical testing. Allele origin: germline.

Blueprint Genetics
Classification: Likely benign. Last evaluated: 2024-11-19. Review status: criteria provided, single submitter. Criteria: ACMG Guidelines, 2015. Collection method: clinical testing. Allele origin: germline.

Women's Health and Genetics/Laboratory Corporation of America, LabCorp
Classification: Likely benign. Last evaluated: 2023-12-22. Review status: criteria provided, single submitter. Criteria: LabCorp Variant Classification Summary - May 2015. Collection method: clinical testing. Allele origin: germline.
Comment: Variant summary: COL9A2 c.1871-8G>T alters a non-conserved nucleotide located close to a canonical splice site and therefore could affect mRNA splicing, leading to a significantly altered protein sequence. Consensus agreement among computation tools predict no significant impact on normal splicing. However, these predictions have yet to be confirmed by functional studies. The variant allele was found at a frequency of 4.6e-05 in 240756 control chromosomes. To our knowledge, no occurrence of c.1871-8G>T in individuals affected with Epiphyseal dysplasia, multiple, 2 and no experimental evidence demonstrating its impact on protein function have been reported. Three submitters have cited clinical-significance assessments for this variant to ClinVar after 2014. All submitters classified the variant as likely benign. Based on the evidence outlined above, the variant was classified as likely benign.

Fulgent Genetics
Classification: Likely benign for Epiphyseal dysplasia, multiple, 2; Stickler syndrome, type 5. Last evaluated: 2021-11-16. Review status: criteria provided, single submitter. Criteria: ACMG Guidelines, 2015. Collection method: clinical testing. Allele origin: unknown.

GeneDx
Classification: Likely benign. Last evaluated: 2020-03-04. Review status: criteria provided, single submitter. Criteria: GeneDx Variant Classification Process June 2021. Collection method: clinical testing. Allele origin: germline. Affected: yes.

PreventionGenetics, part of Exact Sciences
Classification: Likely benign. Review status: criteria provided, single submitter. Criteria: ACMG Guidelines, 2015. Collection method: clinical testing. Allele origin: germline.